The following is an entry in ClinVar:

NM_000092.5(COL4A4):c.328G>A (p.Gly110Ser)

Gene: COL4A4 (collagen type IV alpha 4 chain; minus strand). Cytogenetic location: 2q36.3.
Variant type: single nucleotide variant.
Coding change: c.328G>A on transcript NM_000092.5 (MANE Select); coding-DNA position 328, G replaced by A.
Protein change: p.Gly110Ser; replaces glycine 110 with serine.
Molecular consequence: missense variant.
Genome position (GRCh38, 1-based): chr2:227,119,939, C>T on the plus strand (G>A on the coding strand, the complement: COL4A4 is on the minus strand). VCF-style: chr2-227119939-C-T. GRCh37 (hg19) VCF-style: chr2-227984655-C-T.
Other names: short protein forms G110S.
Identifiers: ClinVar variation 4817331 (VCV004817331.1).
Genomic context (GRCh38, chr2:227,119,939, plus strand): 5'-ATTTAGGGATACTTACAGGTATGCCATCTAAACCTGGAAATCCAGGAACACCAGTTGGAC[C>T]CTAAAATCCCAGAAAATAAAACAAAGAGATAAAAATTATTAAATTAATAAGCTGATTTAC-3'
Protein context (NP_000083.3, residues 100-120): PGAAGDKGDK[Gly110Ser]PTGVPGFPGL

ClinVar aggregate classification (germline): Likely pathogenic (1 of 4 stars; one submission).

Conditions:
Alport syndrome. Also called: Hemorrhagic familial nephritis; Hemorrhagic hereditary nephritis; Congenital hereditary hematuria. Identifiers: Orphanet 63, MedGen C1567741, MONDO:0018965.

Submission:

Natera, Inc.
Classification: Likely pathogenic for Alport syndrome. Last evaluated: 2025-09-04. Review status: criteria provided, single submitter. Criteria: Natera Variant Classification Schema (03/2026). Collection method: clinical testing. Allele origin: germline.
Comment: The c.328G>A variant in COL4A4 is a missense variant predicted to cause substitution of glycine to serine at amino acid 110. This variant is rare in the general population with a frequency below the threshold expected for the associated phenotype(s). This variant is located in a functionally critical region of the protein. Computational prediction algorithms indicate this variant is likely to affect gene or protein function. Given the available evidence, this variant is classified as Likely Pathogenic.